The following is an entry in ClinVar:

ClinVar aggregate classification (germline): Uncertain significance. Review status: criteria provided, multiple submitters, no conflicts (2 of 4 stars). 2 submissions from 2 submitters: Uncertain significance (2). Last evaluated 2025-07-20.

Conditions:
RYR1-related disorder. Also called: RYR1-related condition; RYR1-related disorders. Identifiers: MedGen CN239331.

gnomAD v4.1: 1 of 1,610,640 alleles (0.000062%); highest among the groups gnomAD compares: Non-Finnish European, 0.000085%; no homozygotes.

Submissions (2):

Dasa
Classification: Uncertain significance. Last evaluated: 2025-07-20. Review status: criteria provided, single submitter. Criteria: DASA Assertion Criteria. Collection method: clinical testing. Allele origin: germline.
Comment: NM_000540.3(RYR1):c.7863C>G (p.His2621Gln) is a missense variant that results in the substitution of histidine with glutamine. This variant is rare in population databases. The currently available literature and clinical evidence are not sufficient to establish a definitive association between this variant and the reported condition. Therefore, this variant is classified as a variant of uncertain significance.

Labcorp Genetics (formerly Invitae), Labcorp
Classification: Uncertain significance for RYR1-related disorder. Last evaluated: 2022-08-29. Review status: criteria provided, single submitter. Criteria: Invitae Variant Classification Sherloc (09022015). Collection method: clinical testing. Allele origin: germline.
Comment: Advanced modeling of protein sequence and biophysical properties (such as structural, functional, and spatial information, amino acid conservation, physicochemical variation, residue mobility, and thermodynamic stability) performed at Invitae indicates that this missense variant is not expected to disrupt RYR1 protein function. In summary, the available evidence is currently insufficient to determine the role of this variant in disease. Therefore, it has been classified as a Variant of Uncertain Significance. This variant has not been reported in the literature in individuals affected with RYR1-related conditions. This sequence change replaces histidine, which is basic and polar, with glutamine, which is neutral and polar, at codon 2621 of the RYR1 protein (p.His2621Gln). This variant is not present in population databases (gnomAD no frequency).

NM_000540.3(RYR1):c.7863C>G (p.His2621Gln)

Gene: RYR1 (ryanodine receptor 1; plus strand). Cytogenetic location: 19q13.2.
Variant type: single nucleotide variant.
Coding change: c.7863C>G on transcript NM_000540.3 (MANE Select); coding-DNA position 7863, C replaced by G.
Protein change: p.His2621Gln; replaces histidine 2621 with glutamine.
Molecular consequence: missense variant.
Genome position (GRCh38, 1-based): chr19:38,502,907, C>G. VCF-style: chr19-38502907-C-G. GRCh37 (hg19) VCF-style: chr19-38993547-C-G.
Other names: c.7863C>G, p.His2621Gln (NM_001042723.2); short protein forms H2621Q.
Identifiers: ClinVar variation 2190070 (VCV002190070.6), dbSNP rs2229142, ClinGen allele CA405673729.
Genomic context (GRCh38, chr19:38,502,907, plus strand): 5'-GGGGGATTCTACATCTTGTGCATTGTCCCGCAGGTACATCCGCCCGTCGATGCTGCAGCA[C>G]CTGTTGCGCCGCCTGGTGTTCGACGTGCCCATCCTCAACGAGTTCGCCAAGATGCCACTC-3'
Protein context (NP_000531.2, residues 2611-2631): CRYIRPSMLQ[His2621Gln]LLRRLVFDVP